The following is an entry in ClinVar:

ClinVar aggregate classification (germline): Uncertain significance (1 of 4 stars; one submission).

Submission:

Labcorp Genetics (formerly Invitae), Labcorp
Classification: Uncertain significance. Last evaluated: 2021-08-06. Review status: criteria provided, single submitter. Criteria: Invitae Variant Classification Sherloc (09022015). Collection method: clinical testing. Allele origin: germline.
Comment: Algorithms developed to predict the effect of missense changes on protein structure and function are either unavailable or do not agree on the potential impact of this missense change (SIFT: "Deleterious"; PolyPhen-2: "Possibly Damaging"; Align-GVGD: "Class C0"). In summary, the available evidence is currently insufficient to determine the role of this variant in disease. Therefore, it has been classified as a Variant of Uncertain Significance. This variant has not been reported in the literature in individuals affected with CACNA1D-related conditions. This sequence change replaces glutamic acid with lysine at codon 2120 of the CACNA1D protein (p.Glu2120Lys). The glutamic acid residue is moderately conserved and there is a small physicochemical difference between glutamic acid and lysine. This variant is not present in population databases (ExAC no frequency).

NM_001128840.3(CACNA1D):c.6298G>A (p.Glu2100Lys)

Gene: CACNA1D (calcium voltage-gated channel subunit alpha1 D; plus strand). Cytogenetic location: 3p21.1.
Variant type: single nucleotide variant.
Coding change: c.6298G>A on transcript NM_001128840.3 (MANE Select); coding-DNA position 6298, G replaced by A.
Protein change: p.Glu2100Lys; replaces glutamic acid 2100 with lysine.
Molecular consequence: missense variant.
Genome position (GRCh38, 1-based): chr3:53,811,218, G>A. VCF-style: chr3-53811218-G-A. GRCh37 (hg19) VCF-style: chr3-53845245-G-A.
Other names: c.6358G>A, p.Glu2120Lys (NM_000720.4); c.6226G>A, p.Glu2076Lys (NM_001128839.3); short protein forms E2076K, E2100K, E2120K.
Identifiers: ClinVar variation 1372892 (VCV001372892.6), dbSNP rs2106922807, ClinGen allele CA353259194.